The following is an entry in ClinVar:

NM_004371.4(COPA):c.1594A>C (p.Ser532Arg)

Gene: COPA (coat protein complex I subunit alpha; minus strand). Cytogenetic location: 1q23.2.
Variant type: single nucleotide variant.
Coding change: c.1594A>C on transcript NM_004371.4 (MANE Select); coding-DNA position 1594, A replaced by C.
Protein change: p.Ser532Arg; replaces serine 532 with arginine.
Molecular consequence: missense variant.
Genome position (GRCh38, 1-based): chr1:160,305,506, T>G on the plus strand (A>C on the coding strand, the complement: COPA is on the minus strand). VCF-style: chr1-160305506-T-G. GRCh37 (hg19) VCF-style: chr1-160275296-T-G.
Other names: c.1621A>C, p.Ser541Arg (NM_001098398.2); short protein forms S532R, S541R.
Identifiers: ClinVar variation 4742339 (VCV004742339.1).

ClinVar aggregate classification (germline): Uncertain significance (1 of 4 stars; one submission).

Conditions:
Autoimmune interstitial lung disease-arthritis syndrome. Also called: Autoinflammation and autoimmunity, systemic, with immune dysregulation. Identifiers: Orphanet 444092, MedGen C5975714, MONDO:0014629.

Submission:

Labcorp Genetics (formerly Invitae), Labcorp
Classification: Uncertain significance for Autoimmune interstitial lung disease-arthritis syndrome. Last evaluated: 2025-11-25. Review status: criteria provided, single submitter. Criteria: Invitae Variant Classification Sherloc (09022015). Collection method: clinical testing. Allele origin: germline.
Comment: This sequence change replaces serine, which is neutral and polar, with arginine, which is basic and polar, at codon 532 of the COPA protein (p.Ser532Arg). This variant is not present in population databases (gnomAD no frequency). This variant has not been reported in the literature in individuals affected with COPA-related conditions. Invitae Evidence Modeling of protein sequence and biophysical properties (such as structural, functional, and spatial information, amino acid conservation, physicochemical variation, residue mobility, and thermodynamic stability) indicates that this missense variant is expected to disrupt COPA protein function with a positive predictive value of 80%. In summary, the available evidence is currently insufficient to determine the role of this variant in disease. Therefore, it has been classified as a Variant of Uncertain Significance.